The following is an entry in ClinVar:

ClinVar aggregate classification (germline): Uncertain significance (1 of 4 stars; one submission).

Submission:

Ambry Genetics
Classification: Uncertain significance. Last evaluated: 2025-11-19. Review status: criteria provided, single submitter. Criteria: Ambry Variant Classification Scheme 2023. Collection method: clinical testing. Allele origin: germline.
Comment: The c.605G>A (p.R202H) alteration is located in exon 6 (coding exon 5) of the FNDC3B gene. This alteration results from a G to A substitution at nucleotide position 605, causing the arginine (R) at amino acid position 202 to be replaced by a histidine (H). Based on data from gnomAD, the A allele has an overall frequency of 0.001% (2/251040) total alleles studied. The highest observed frequency was 0.003% (1/30612) of South Asian alleles. Based on insufficient or conflicting evidence, the clinical significance of this alteration remains unclear.

NM_022763.4(FNDC3B):c.605G>A (p.Arg202His)

Gene: FNDC3B (fibronectin type III domain containing 3B; plus strand). Cytogenetic location: 3q26.31.
Variant type: single nucleotide variant.
Coding change: c.605G>A on transcript NM_022763.4 (MANE Select); coding-DNA position 605, G replaced by A.
Protein change: p.Arg202His; replaces arginine 202 with histidine.
Molecular consequence: missense variant.
Genome position (GRCh38, 1-based): chr3:172,251,356, G>A. VCF-style: chr3-172251356-G-A. GRCh37 (hg19) VCF-style: chr3-171969146-G-A.
Other names: c.605G>A, p.Arg202His (NM_001135095.2); short protein forms R202H.
Identifiers: ClinVar variation 4669216 (VCV004669216.1).